The following is an entry in ClinVar:

ClinVar aggregate classification (germline): Uncertain significance (1 of 4 stars; one submission).

Conditions:
Leukocyte adhesion deficiency type II. Also called: CONGENITAL DISORDER OF GLYCOSYLATION, TYPE IIc; CDG IIc; Congenital disorder of glycosylation type 2C; CDG 2C; Leukocyte adhesion deficiency type 2; Rambam Hasharon syndrome. Identifiers: Orphanet 2968, Orphanet 99843, MedGen C0398739, MONDO:0009953, OMIM 266265.

Submission:

Labcorp Genetics (formerly Invitae), Labcorp
Classification: Uncertain significance for Leukocyte adhesion deficiency type II. Last evaluated: 2022-02-10. Review status: criteria provided, single submitter. Criteria: Invitae Variant Classification Sherloc (09022015). Collection method: clinical testing. Allele origin: germline.
Comment: In summary, the available evidence is currently insufficient to determine the role of this variant in disease. Therefore, it has been classified as a Variant of Uncertain Significance. Algorithms developed to predict the effect of missense changes on protein structure and function are either unavailable or do not agree on the potential impact of this missense change (SIFT: "Deleterious"; PolyPhen-2: "Possibly Damaging"; Align-GVGD: "Class C0"). This variant has not been reported in the literature in individuals affected with SLC35C1-related conditions. This variant is not present in population databases (gnomAD no frequency). This sequence change replaces methionine, which is neutral and non-polar, with isoleucine, which is neutral and non-polar, at codon 127 of the SLC35C1 protein (p.Met127Ile).

NM_018389.5(SLC35C1):c.381G>T (p.Met127Ile)

Gene: SLC35C1 (solute carrier family 35 member C1; plus strand). Cytogenetic location: 11p11.2.
Variant type: single nucleotide variant.
Coding change: c.381G>T on transcript NM_018389.5 (MANE Select); coding-DNA position 381, G replaced by T.
Protein change: p.Met127Ile; replaces methionine 127 with isoleucine.
Molecular consequence: missense variant.
Genome position (GRCh38, 1-based): chr11:45,806,182, G>T. VCF-style: chr11-45806182-G-T. GRCh37 (hg19) VCF-style: chr11-45827733-G-T.
Other names: c.342G>T, p.Met114Ile (NM_001145265.2, NM_001145266.2); short protein forms M114I, M127I.
Identifiers: ClinVar variation 2096091 (VCV002096091.4), dbSNP rs2494693534, ClinGen allele CA380202856.
Genomic context (GRCh38, chr11:45,806,182, plus strand): 5'-GCGCCTGGACCTCAGGGTGGCCCGCAGCGTCCTGCCCCTGTCGGTGGTCTTCATCGGCAT[G>T]ATCACCTTCAATAACCTCTGCCTCAAGTACGTCGGTGTGGCCTTCTACAATGTGGGCCGC-3'
Protein context (NP_060859.4, residues 117-137): VLPLSVVFIG[Met127Ile]ITFNNLCLKY